The following is an entry in ClinVar:

NM_017946.4(FKBP14):c.*672C>T

Genes: FKBP14 (FKBP prolyl isomerase 14; minus strand), FKBP14-AS1 (FKBP14 antisense RNA 1; plus strand). Cytogenetic location: 7p14.3.
Variant type: single nucleotide variant.
Coding change: c.*672C>T on transcript NM_017946.4 (MANE Select); 672 bases downstream of the stop codon, C replaced by T.
Molecular consequence: 3 prime UTR variant. On other transcripts: non-coding transcript variant (2).
Genome position (GRCh38, 1-based): chr7:30,014,063, G>A on the plus strand (C>T on the coding strand, the complement: FKBP14 is on the minus strand). VCF-style: chr7-30014063-G-A. GRCh37 (hg19) VCF-style: chr7-30053679-G-A.
Identifiers: ClinVar variation 402867 (VCV000402867.4), dbSNP rs3793247, ClinGen allele CA12558961.
Genomic context (GRCh38, chr7:30,014,063, plus strand): 5'-ACAGGCACGCATCACCACGCCCGGCTACTTTTGTATTTTTAGTAGAGATAGGGTTTCTCC[G>A]TGTTGGTCAGGCTGGTCTCGAACTCCCAACCTCAGGTGATCCGCCCGCCTCAGCCTCCCA-3'

ClinVar aggregate classification (germline): Benign (1 of 4 stars; one submission).

Allele frequency attached by ClinVar (database versions not stated): gnomAD exomes 0.11538; 1000 Genomes Project 0.15974; 1000 Genomes Project 30x 0.16412; gnomAD 0.18018 and 0.18308; TOPMed 0.18391.
gnomAD v4.1: 27,338 of 151,832 alleles (18%); highest among the groups gnomAD compares: African/African-American, 24%; 2,598 homozygotes.

Submission:

Laboratory for Molecular Medicine, Mass General Brigham Personalized Medicine
Classification: Benign. Last evaluated: 2016-03-29. Review status: criteria provided, single submitter. Criteria: LMM Criteria. Collection method: clinical testing. Allele origin: germline.
Comment: Variant identified in a genome or exome case(s) and assessed due to predicted null impact of the variant or pathogenic assertions in the literature or databases. Disclaimer: This variant has not undergone full assessment. The following are preliminary notes: Frequency